The following is an entry in ClinVar:

NM_024675.4(PALB2):c.2832_2834+4del

Gene: PALB2 (partner and localizer of BRCA2; minus strand). Cytogenetic location: 16p12.2.
Variant type: Deletion.
Coding change: c.2832_2834+4del on transcript NM_024675.4 (MANE Select); coding-DNA position 2832 through 4 bases into the intron after coding-DNA position 2834, 7 bases deleted (CAGGTAT; older notation c.2832_2834+4delCAGGTAT).
Molecular consequence: splice donor variant.
Genome position (GRCh38, 1-based): chr16:23,624,005-23,624,011, ATACCTG deleted on the plus strand (CAGGTAT on the coding strand, the reverse complement: PALB2 is on the minus strand); deleting any 7 consecutive bases within chr16:23,624,005-23,624,013 gives the same sequence; the c. name uses the placement nearest the transcript's 3' end. VCF-style (leftmost placement, unchanged base first): chr16-23624004-CATACCTG-C. GRCh37 (hg19) VCF-style: chr16-23635325-CATACCTG-C.
Other names: c.1947_1949+4del (NM_001407308.1, NM_001407306.1, NM_001407309.1 and 4 more transcripts); c.366_368+4del (NM_001407314.1); c.1044_1046+4del (NM_001407313.1, NM_001407312.1); c.2772_2774+4del (NM_001407296.1); c.2760_2762+4del (NM_001407297.1); c.2670_2672+4del (NM_001407302.1, NM_001407298.1); c.2832_2834+4del (NM_001407300.1, NM_001407299.1, NM_001407301.1); c.1785_1787+4del (NM_001407307.1).
Identifiers: ClinVar variation 2501252 (VCV002501252.1), dbSNP rs2506348014, ClinGen allele CA2580612726.

ClinVar aggregate classification (germline): Likely pathogenic (1 of 4 stars; one submission).

Conditions:
Malignant tumor of breast. Also called: Malignant breast neoplasm; Cancer breast. Identifiers: MedGen C0006142, MONDO:0007254. Disease mechanism: loss of function.

Submission:

Women's Health and Genetics/Laboratory Corporation of America, LabCorp
Classification: Likely pathogenic for Malignant tumor of breast. Last evaluated: 2023-03-30. Review status: criteria provided, single submitter. Criteria: LabCorp Variant Classification Summary - May 2015. Collection method: clinical testing. Allele origin: germline.
Comment: Variant summary: PALB2 c.2832_2834+4delCAGGTAT is located in a canonical splice-site and is predicted to affect mRNA splicing resulting in a significantly altered protein due to either exon skipping, shortening, or inclusion of intronic material. Several computational tools predict a significant impact on normal splicing: Four predict the variant abolishes a 5 splicing donor site. However, these predictions have yet to be confirmed by functional studies. The variant was absent in 250218 control chromosomes (gnomAD). To our knowledge, no occurrence of c.2832_2834+4delCAGGTAT in individuals affected with Breast Cancer and no experimental evidence demonstrating its impact on protein function have been reported. No clinical diagnostic laboratories have submitted clinical-significance assessments for this variant to ClinVar after 2014. Based on the evidence outlined above, the variant was classified as likely pathogenic.